The following is an entry in ClinVar:

NM_000059.4(BRCA2):c.793G>A (p.Gly265Arg)

Gene: BRCA2 (BRCA2 DNA repair associated; plus strand). Cytogenetic location: 13q13.1.
Variant type: single nucleotide variant.
Coding change: c.793G>A on transcript NM_000059.4 (MANE Select); coding-DNA position 793, G replaced by A.
Protein change: p.Gly265Arg; replaces glycine 265 with arginine.
Molecular consequence: missense variant.
Genome position (GRCh38, 1-based): chr13:32,331,030, G>A. VCF-style: chr13-32331030-G-A. GRCh37 (hg19) VCF-style: chr13-32905167-G-A.
Other names: short protein forms G265R.
Identifiers: ClinVar variation 479337 (VCV000479337.20), dbSNP rs1403242422, ClinGen allele CA387760269.

ClinVar aggregate classification (germline): Conflicting classifications of pathogenicity. Review status: criteria provided, conflicting classifications (1 of 4 stars). 6 submissions from 6 submitters: Uncertain significance (5); Likely benign (1). Last evaluated 2025-07-23.

Conditions:
Hereditary breast ovarian cancer syndrome. Also called: Hereditary breast and ovarian cancer syndrome (HBOC); Hereditary breast and ovarian cancer syndrome; Breast and ovarian cancer; BRCA1- and BRCA2-Associated Hereditary Breast and Ovarian Cancer; Hereditary breast and ovarian cancer; Hereditary breast and/or ovarian cancer syndrome. Identifiers: Orphanet 145, MedGen C0677776, MeSH D061325, MONDO:0003582. Disease mechanism: loss of function.
Familial cancer of breast. Also called: BREAST CANCER, FAMILIAL; hereditary breast carcinoma; Hereditary breast cancer. Identifiers: Orphanet 227535, MedGen C0346153, MONDO:0016419, OMIM 114480. Disease mechanism: loss of function.
Hereditary cancer-predisposing syndrome. Also called: Neoplastic Syndromes, Hereditary; Hereditary Cancer Syndrome; Hereditary neoplastic syndrome; Tumor predisposition. Identifiers: Orphanet 140162, MedGen C0027672, MeSH D009386, MONDO:0015356.

Allele frequency attached by ClinVar (database versions not stated): gnomAD exomes below 0.00001.
gnomAD v4.1: 1 of 1,600,634 alleles (0.000062%); highest among the groups gnomAD compares: Non-Finnish European, 0.000086%; no homozygotes.

Submissions (6):

Labcorp Genetics (formerly Invitae), Labcorp
Classification: Uncertain significance for Hereditary breast ovarian cancer syndrome. Last evaluated: 2025-07-23. Review status: criteria provided, single submitter. Criteria: Invitae Variant Classification Sherloc (09022015). Collection method: clinical testing. Allele origin: germline.
Comment: This sequence change replaces glycine, which is neutral and non-polar, with arginine, which is basic and polar, at codon 265 of the BRCA2 protein (p.Gly265Arg). This variant also falls at the last nucleotide of exon 9, which is part of the consensus splice site for this exon. This variant is not present in population databases (gnomAD no frequency). This variant has not been reported in the literature in individuals affected with BRCA2-related conditions. ClinVar contains an entry for this variant (Variation ID: 479337). An algorithm developed to predict the effect of missense changes on protein structure and function outputs the following: PolyPhen-2: "Benign". The arginine amino acid residue is found in multiple mammalian species, which suggests that this missense change does not adversely affect protein function. Variants that disrupt the consensus splice site are a relatively common cause of aberrant splicing (PMID: 17576681, 9536098). RNA analysis performed to evaluate the impact of this missense change on mRNA splicing indicates it does not significantly alter splicing (internal data). In summary, the available evidence is currently insufficient to determine the role of this variant in disease. Therefore, it has been classified as a Variant of Uncertain Significance.

Quest Diagnostics Nichols Institute San Juan Capistrano
Classification: Uncertain significance. Last evaluated: 2025-05-06. Review status: criteria provided, single submitter. Criteria: Quest Diagnostics criteria. Collection method: clinical testing. Allele origin: unknown.
Comment: The BRCA2 c.793G>A (p.Gly265Arg) variant has been identified in the published literature in in individuals with breast cancer (PMID: 33471991 (2021), 35167739 (2022), 35264596 (2026), see also LOVD). This variant was also reported to have no effect on BRCA2 mRNA splicing (PMID: 35167739 (2022)). This variant has not been reported in large, multi-ethnic general populations (Genome Aggregation Database). Analysis of this variant using bioinformatics tools for the prediction of the effect of amino acid changes on protein structure and function yielded predictions that this variant is benign. Based on the available information, we are unable to determine the clinical significance of this variant.

Baylor Genetics
Classification: Uncertain significance for Familial cancer of breast. Last evaluated: 2023-10-29. Review status: criteria provided, single submitter. Criteria: ACMG Guidelines, 2015. Collection method: clinical testing. Allele origin: unknown.

Ambry Genetics
Classification: Likely benign for Hereditary cancer-predisposing syndrome. Last evaluated: 2019-10-15. Review status: criteria provided, single submitter. Criteria: Ambry Variant Classification Scheme 2023. Collection method: clinical testing. Allele origin: germline.

Color Diagnostics, LLC DBA Color Health
Classification: Uncertain significance for Hereditary cancer-predisposing syndrome. Last evaluated: 2019-06-02. Review status: criteria provided, single submitter. Criteria: ACMG Guidelines, 2015. Collection method: clinical testing. Allele origin: germline.

PreventionGenetics, part of Exact Sciences
Classification: Uncertain significance. Last evaluated: 2017-02-27. Review status: criteria provided, single submitter. Criteria: ACMG Guidelines, 2015. Collection method: clinical testing. Allele origin: germline.

Literature cited by the submitters: PubMed 17576681 (cited by Labcorp Genetics (formerly Invitae), Labcorp); PubMed 9536098 (cited by Labcorp Genetics (formerly Invitae), Labcorp); PubMed 33471991 (cited by Quest Diagnostics Nichols Institute San Juan Capistrano); PubMed 35167739 (cited by Quest Diagnostics Nichols Institute San Juan Capistrano); PubMed 35264596 (cited by Quest Diagnostics Nichols Institute San Juan Capistrano).